The following is an entry in ClinVar:

NM_001953.5(TYMP):c.121C>G (p.Arg41Gly)

Gene: TYMP (thymidine phosphorylase; minus strand). Cytogenetic location: 22q13.33.
Variant type: single nucleotide variant.
Coding change: c.121C>G on transcript NM_001953.5 (MANE Select); coding-DNA position 121, C replaced by G.
Protein change: p.Arg41Gly; replaces arginine 41 with glycine.
Molecular consequence: missense variant.
Genome position (GRCh38, 1-based): chr22:50,529,589, G>C on the plus strand (C>G on the coding strand, the complement: TYMP is on the minus strand). VCF-style: chr22-50529589-G-C. GRCh37 (hg19) VCF-style: chr22-50968018-G-C.
Other names: c.121C>G, p.Arg41Gly (NM_001113755.3, NM_001113756.3, NM_001257988.1 and 1 more transcripts); short protein forms R41G.
Identifiers: ClinVar variation 1314359 (VCV001314359.2), dbSNP rs1431590015, ClinGen allele CA412202764.
Genomic context (GRCh38, chr22:50,529,589, plus strand): 5'-CAGCGGCCACGAAGCCCCTGATGTCCGCTTCGCTCAGGCGGCCTCCGTCTCGCTTCATGC[G>C]GATCAGCTCCGGGAGCTGCTTGGGCTCTGGCGAAGGGTCGGGAAGTCCCTGGCTCCCTTC-3'
Protein context (NP_001944.1, residues 31-51): PEPKQLPELI[Arg41Gly]MKRDGGRLSE

ClinVar aggregate classification (germline): Uncertain significance (1 of 4 stars; one submission).

Submission:

GeneDx
Classification: Uncertain significance. Last evaluated: 2021-04-14. Review status: criteria provided, single submitter. Criteria: GeneDx Variant Classification Process June 2021. Collection method: clinical testing. Allele origin: germline. Affected: yes.
Comment: Not observed in large population cohorts (Lek et al., 2016); In silico analysis supports that this missense variant has a deleterious effect on protein structure/function; Has not been previously published as pathogenic or benign to our knowledge